The following is an entry in ClinVar:

ClinVar aggregate classification (germline): Pathogenic/Likely pathogenic. Review status: criteria provided, multiple submitters, no conflicts (2 of 4 stars). 3 submissions from 3 submitters: Pathogenic (1); Likely pathogenic (1). 1 of the submissions does not count toward it. Last evaluated 2024-10-09.

Conditions:
Autoinflammation with arthritis and dyskeratosis (AIADK). Identifiers: MedGen C4479278, MONDO:0060457, OMIM 617388.

Submissions (3):

Victorian Clinical Genetics Services, Murdoch Childrens Research Institute
Classification: Pathogenic for Autoinflammation with arthritis and dyskeratosis. Last evaluated: 2024-10-09. Review status: criteria provided, single submitter. Criteria: ACMG Guidelines, 2015. Collection method: clinical testing. Allele origin: germline. Affected: yes.
Comment: Based on the classification scheme VCGS_Germline_v1.3.4, this variant is classified as Pathogenic. Following criteria are met: 0101 - Gain of function is a known mechanism of disease in this gene and is associated with autoinflammation with arthritis and dyskeratosis (MIM#617388) and palmoplantar carcinoma, multiple self-healing (MIM#615225). (I) 0108 - This gene is associated with both recessive and dominant disease (OMIM). (I) 0200 - Variant is predicted to result in a missense amino acid change from proline to arginine. (I) 0251 - This variant is heterozygous. (I) 0301 - Variant is absent from gnomAD (both v2 and v3). (SP) 0309 - An alternative amino acid change at the same position has been observed in gnomAD (v3) (1 heterozygote, 0 homozygotes). (I) 0502 - Missense variant with conflicting in silico predictions and uninformative conservation. (I) 0600 - Variant is located in the annotated FIIND domain (DECIPHER). (I) 0704 - Another missense variant comparable to the one identified in this case has limited previous evidence for pathogenicity. p.(Pro1214Leu) has been observed as de novo in an individual with Papillon-Lefevre syndrome and palmoplantar keratosis and periodontitis (PMID: 33738798). (SP) 0802 - This variant has moderate previous evidence of pathogenicity in unrelated individuals. This variant has been classified as likely pathogenic by a clinical laboratory in ClinVar. This variant has also been observed as de novo in an individual with congenital and progressive disseminated follicular hyperkeratosis (PMID: 27965258). (SP) 1002 - This variant has moderate functional evidence supporting abnormal protein function. This variant causes loss of NLRP1-FIIND and DPP9 binding, abolishing the repression of DPP9 on the NLRP1 inflammasome (PMID: 30291141). (SP) Legend: (SP) - Supporting pathogenic, (I) - Information, (SB) - Supporting benign

Labcorp Genetics (formerly Invitae), Labcorp
Classification: Likely pathogenic. Last evaluated: 2024-08-12. Review status: criteria provided, single submitter. Criteria: Invitae Variant Classification Sherloc (09022015). Collection method: clinical testing. Allele origin: germline.
Comment: This sequence change replaces proline, which is neutral and non-polar, with arginine, which is basic and polar, at codon 1214 of the NLRP1 protein (p.Pro1214Arg). This variant is not present in population databases (gnomAD no frequency). This missense change has been observed in individual(s) with clinical features of NLRP1-gain of function syndrome (PMID: 27965258). In at least one individual the variant was observed to be de novo. ClinVar contains an entry for this variant (Variation ID: 393320). An algorithm developed to predict the effect of missense changes on protein structure and function (PolyPhen-2) suggests that this variant is likely to be disruptive. Experimental studies have shown that this missense change affects NLRP1 function (PMID: 30291141). In summary, the currently available evidence indicates that the variant is pathogenic, but additional data are needed to prove that conclusively. Therefore, this variant has been classified as Likely Pathogenic.

OMIM
Classification: Pathogenic for AUTOINFLAMMATION WITH ARTHRITIS AND DYSKERATOSIS. Last evaluated: 2023-04-25. Review status: no assertion criteria provided. Collection method: literature only. Allele origin: germline. Not counted in ClinVar's aggregate classification.

Literature cited by the submitters: PubMed 27965258 (cited by 3 submitters); PubMed 30291141 (cited by 3 submitters); PubMed 33738798 (cited by Victorian Clinical Genetics Services, Murdoch Childrens Research Institute).

NM_033004.4(NLRP1):c.3641C>G (p.Pro1214Arg)

Gene: NLRP1 (NLR family pyrin domain containing 1; minus strand). Cytogenetic location: 17p13.2.
Variant type: single nucleotide variant.
Coding change: c.3641C>G on transcript NM_033004.4 (MANE Select); coding-DNA position 3641, C replaced by G.
Protein change: p.Pro1214Arg; replaces proline 1214 with arginine.
Molecular consequence: missense variant.
Genome position (GRCh38, 1-based): chr17:5,521,666, G>C on the plus strand (C>G on the coding strand, the complement: NLRP1 is on the minus strand). VCF-style: chr17-5521666-G-C. GRCh37 (hg19) VCF-style: chr17-5424986-G-C.
Other names: c.3653C>G, p.Pro1218Arg (NM_001033053.3); c.3641C>G, p.Pro1214Arg (NM_014922.5); c.3551C>G, p.Pro1184Arg (NM_033006.4, NM_033007.4); short protein forms P1214R, P1218R, P1184R.
Identifiers: ClinVar variation 393320 (VCV000393320.9), dbSNP rs1057524876, ClinGen allele CA16609235.
Genomic context (GRCh38, chr17:5,521,666, plus strand): 5'-ACAGAGGTGACGGGAATGAAGCGCAGGGCATTATGGATCATTTTCAGGAGGACTCCCAAG[G>C]GGGAGAAGCTGGGGTTTTCCAGAACTATGTGATGCAGCTCCACCCTGGCTGGCTTCTCCA-3'
Protein context (NP_127497.1, residues 1204-1224): HIVLENPSFS[Pro1214Arg]LGVLLKMIHN